The following is an entry in ClinVar:

NM_182914.3(SYNE2):c.1398G>T (p.Met466Ile)

Gene: SYNE2 (spectrin repeat containing nuclear envelope protein 2; plus strand). Cytogenetic location: 14q23.2.
Variant type: single nucleotide variant.
Coding change: c.1398G>T on transcript NM_182914.3 (MANE Select); coding-DNA position 1398, G replaced by T.
Protein change: p.Met466Ile; replaces methionine 466 with isoleucine.
Molecular consequence: missense variant.
Genome position (GRCh38, 1-based): chr14:63,978,009, G>T. VCF-style: chr14-63978009-G-T. GRCh37 (hg19) VCF-style: chr14-64444727-G-T.
Other names: c.1398G>T, p.Met466Ile (NM_015180.6); short protein forms M466I.
Identifiers: ClinVar variation 962579 (VCV000962579.9), dbSNP rs2096557553, ClinGen allele CA389955933.

ClinVar aggregate classification (germline): Uncertain significance (1 of 4 stars; one submission).

Conditions:
Emery-Dreifuss muscular dystrophy 5, autosomal dominant (EDMD5). Also called: EMERY-DREIFUSS MUSCULAR DYSTROPHY 5. Identifiers: Orphanet 261, MedGen C2751805, MONDO:0013072, OMIM 612999.

Submission:

Labcorp Genetics (formerly Invitae), Labcorp
Classification: Uncertain significance for Emery-Dreifuss muscular dystrophy 5, autosomal dominant. Last evaluated: 2019-08-30. Review status: criteria provided, single submitter. Criteria: Invitae Variant Classification Sherloc (09022015). Collection method: clinical testing. Allele origin: germline.
Comment: In summary, the available evidence is currently insufficient to determine the role of this variant in disease. Therefore, it has been classified as a Variant of Uncertain Significance. Algorithms developed to predict the effect of missense changes on protein structure and function (SIFT, PolyPhen-2, Align-GVGD) all suggest that this variant is likely to be tolerated, but these predictions have not been confirmed by published functional studies and their clinical significance is uncertain. This variant has not been reported in the literature in individuals with SYNE2-related conditions. This variant is not present in population databases (ExAC no frequency). This sequence change replaces methionine with isoleucine at codon 466 of the SYNE2 protein (p.Met466Ile). The methionine residue is moderately conserved and there is a small physicochemical difference between methionine and isoleucine.